The following is an entry in ClinVar:

ClinVar aggregate classification (germline): Uncertain significance (1 of 4 stars; one submission).

Submission:

Labcorp Genetics (formerly Invitae), Labcorp
Classification: Uncertain significance. Last evaluated: 2023-07-17. Review status: criteria provided, single submitter. Criteria: Invitae Variant Classification Sherloc (09022015). Collection method: clinical testing. Allele origin: germline.
Comment: This sequence change replaces serine, which is neutral and polar, with glycine, which is neutral and non-polar, at codon 3495 of the KMT2A protein (p.Ser3495Gly). In summary, the available evidence is currently insufficient to determine the role of this variant in disease. Therefore, it has been classified as a Variant of Uncertain Significance. Advanced modeling of protein sequence and biophysical properties (such as structural, functional, and spatial information, amino acid conservation, physicochemical variation, residue mobility, and thermodynamic stability) performed at Invitae indicates that this missense variant is not expected to disrupt KMT2A protein function. ClinVar contains an entry for this variant (Variation ID: 1718530). This variant has not been reported in the literature in individuals affected with KMT2A-related conditions. This variant is not present in population databases (gnomAD no frequency).

NM_001197104.2(KMT2A):c.10483A>G (p.Ser3495Gly)

Gene: KMT2A (lysine methyltransferase 2A; plus strand). Cytogenetic location: 11q23.3.
Variant type: single nucleotide variant.
Coding change: c.10483A>G on transcript NM_001197104.2 (MANE Select); coding-DNA position 10483, A replaced by G.
Protein change: p.Ser3495Gly; replaces serine 3495 with glycine.
Molecular consequence: missense variant.
Genome position (GRCh38, 1-based): chr11:118,506,375, A>G. VCF-style: chr11-118506375-A-G. GRCh37 (hg19) VCF-style: chr11-118377090-A-G.
Other names: c.10573A>G, p.Ser3525Gly (NM_001412597.1); c.10474A>G, p.Ser3492Gly (NM_005933.4); short protein forms S3492G, S3495G, S3525G.
Identifiers: ClinVar variation 1718530 (VCV001718530.5), dbSNP rs2497031142, ClinGen allele CA382825945.